The following is an entry in ClinVar:

ClinVar aggregate classification (germline): Uncertain significance (1 of 4 stars; one submission).

Conditions:
Ichthyosis linearis circumflexa. Identifiers: MedGen C0265962, MONDO:0043106, HP:0025810.

Submission:

Labcorp Genetics (formerly Invitae), Labcorp
Classification: Uncertain significance for Ichthyosis linearis circumflexa. Last evaluated: 2019-07-02. Review status: criteria provided, single submitter. Criteria: Invitae Variant Classification Sherloc (09022015). Collection method: clinical testing. Allele origin: germline.
Comment: This sequence change replaces serine with arginine at codon 534 of the SPINK5 protein (p.Ser534Arg). The serine residue is highly conserved and there is a moderate physicochemical difference between serine and arginine. This variant is not present in population databases (ExAC no frequency). This variant has not been reported in the literature in individuals with SPINK5-related conditions. Algorithms developed to predict the effect of missense changes on protein structure and function output the following: SIFT: "Deleterious"; PolyPhen-2: "Possibly Damaging"; Align-GVGD: "Class C0". The arginine amino acid residue is found in multiple mammalian species, suggesting that this missense change does not adversely affect protein function. These predictions have not been confirmed by published functional studies and their clinical significance is uncertain. In summary, the available evidence is currently insufficient to determine the role of this variant in disease. Therefore, it has been classified as a Variant of Uncertain Significance.

NM_006846.4(SPINK5):c.1602T>A (p.Ser534Arg)

Gene: SPINK5 (serine peptidase inhibitor Kazal type 5; plus strand). Cytogenetic location: 5q32.
Variant type: single nucleotide variant.
Coding change: c.1602T>A on transcript NM_006846.4 (MANE Select); coding-DNA position 1602, T replaced by A.
Protein change: p.Ser534Arg; replaces serine 534 with arginine.
Molecular consequence: missense variant.
Genome position (GRCh38, 1-based): chr5:148,107,159, T>A. VCF-style: chr5-148107159-T-A. GRCh37 (hg19) VCF-style: chr5-147486722-T-A.
Other names: c.1602T>A, p.Ser534Arg (NM_001127698.2, NM_001127699.2); short protein forms S534R.
Identifiers: ClinVar variation 835193 (VCV000835193.10), dbSNP rs758158334, ClinGen allele CA361639344.